The following is an entry in ClinVar:

ClinVar aggregate classification (germline): Benign/Likely benign. Review status: criteria provided, multiple submitters, no conflicts (2 of 4 stars). 7 submissions from 7 submitters: Benign (2); Likely benign (3). 2 of the submissions do not count toward it. Last evaluated 2026-01-27.

Conditions:
HNSHA due to aldolase A deficiency (GSD12). Also called: GSD XII; GLYCOGEN STORAGE DISEASE XII; RED CELL ALDOLASE DEFICIENCY; Glycogen storage disease due to aldolase A deficiency. Identifiers: Orphanet 57, MedGen C0272066, MONDO:0012747, OMIM 611881.
ALDOA-related disorder. Also called: ALDOA-related condition.

Allele frequency attached by ClinVar (database versions not stated): gnomAD exomes 0.00036 and 0.00093; ExAC 0.00121; gnomAD 0.00347 and 0.00362; ESP Exome Variant Server 0.00416; TOPMed 0.00431; 1000 Genomes Project 30x 0.00578; 1000 Genomes Project 0.00579.
gnomAD v4.1: 1,156 of 1,613,782 alleles (0.072%); highest among the groups gnomAD compares: African/African-American, 1.2%; 8 homozygotes.

Submissions (7):

Labcorp Genetics (formerly Invitae), Labcorp
Classification: Benign for HNSHA due to aldolase A deficiency. Last evaluated: 2026-01-27. Review status: criteria provided, single submitter. Criteria: Invitae Variant Classification Sherloc (09022015). Collection method: clinical testing. Allele origin: germline.

ARUP Laboratories, Molecular Genetics and Genomics, ARUP Laboratories
Classification: Benign for HNSHA due to aldolase A deficiency. Last evaluated: 2024-12-23. Review status: criteria provided, single submitter. Criteria: ARUP Molecular Germline Variant Investigation Process 2024. Collection method: clinical testing. Allele origin: germline.

Blueprint Genetics
Classification: Likely benign. Last evaluated: 2024-09-02. Review status: criteria provided, single submitter. Criteria: ACMG Guidelines, 2015. Collection method: clinical testing. Allele origin: germline.

GeneDx
Classification: Likely benign. Last evaluated: 2021-05-19. Review status: criteria provided, single submitter. Criteria: GeneDx Variant Classification Process June 2021. Collection method: clinical testing. Allele origin: germline. Affected: yes.

Breakthrough Genomics
Classification: Likely benign. Review status: criteria provided, single submitter. Criteria: ACMG Guidelines, 2015. Collection method: not provided. Allele origin: germline. Inheritance: Autosomal recessive inheritance. Affected: yes.

PreventionGenetics, part of Exact Sciences
Classification: Benign for ALDOA-related condition. Last evaluated: 2019-07-08. Review status: no assertion criteria provided. Collection method: clinical testing. Allele origin: germline. Not counted in ClinVar's aggregate classification.
Comment: This variant is classified as benign based on ACMG/AMP sequence variant interpretation guidelines (Richards et al. 2015 PMID: 25741868, with internal and published modifications).

Mayo Clinic Laboratories, Mayo Clinic
Classification: Likely benign. Last evaluated: 2017-06-15. Review status: no assertion criteria provided. Collection method: clinical testing. Allele origin: unknown. Not counted in ClinVar's aggregate classification.

NM_001243177.4(ALDOA):c.411A>G (p.Thr137=)

Genes: ALDOA (aldolase, fructose-bisphosphate A; plus strand), LOC112694756 (uncharaterized LOC112694756; plus strand). Cytogenetic location: 16p11.2.
Variant type: single nucleotide variant.
Coding change: c.411A>G on transcript NM_001243177.4 (MANE Select); coding-DNA position 411, A replaced by G.
Protein change: p.Thr137=; no amino-acid change (threonine 137 retained).
Molecular consequence: synonymous variant. On other transcripts: 3 prime UTR variant (3).
Genome position (GRCh38, 1-based): chr16:30,067,586, A>G. VCF-style: chr16-30067586-A-G. GRCh37 (hg19) VCF-style: chr16-30078907-A-G.
Other names: NM_000034.3:c.249A>G; c.*758A>G (NM_001365304.2, NM_001365305.2, NM_001365307.2); c.249A>G, p.Thr83= (NM_001127617.2, NM_184041.5, NM_184043.2).
Identifiers: ClinVar variation 382578 (VCV000382578.20), dbSNP rs76767223, ClinGen allele CA8000907.